The following is an entry in ClinVar:

ClinVar aggregate classification (germline): Uncertain significance. Review status: criteria provided, multiple submitters, no conflicts (2 of 4 stars). 2 submissions from 2 submitters: Uncertain significance (2). Last evaluated 2021-11-07.

Conditions:
Hereditary cancer-predisposing syndrome. Also called: Hereditary neoplastic syndrome; Neoplastic Syndromes, Hereditary; Tumor predisposition; Hereditary Cancer Syndrome. Identifiers: Orphanet 140162, MedGen C0027672, MeSH D009386, MONDO:0015356.
Rhabdoid tumor predisposition syndrome 2 (RTPS2). Identifiers: Orphanet 231108, Orphanet 69077, MedGen C2750074, MONDO:0013224, OMIM 613325.

Submissions (2):

Labcorp Genetics (formerly Invitae), Labcorp
Classification: Uncertain significance for Rhabdoid tumor predisposition syndrome 2. Last evaluated: 2021-11-07. Review status: criteria provided, single submitter. Criteria: Invitae Variant Classification Sherloc (09022015). Collection method: clinical testing. Allele origin: germline.
Comment: ClinVar contains an entry for this variant (Variation ID: 947484). In summary, the available evidence is currently insufficient to determine the role of this variant in disease. Therefore, it has been classified as a Variant of Uncertain Significance. Algorithms developed to predict the effect of missense changes on protein structure and function are either unavailable or do not agree on the potential impact of this missense change (SIFT: "Deleterious"; PolyPhen-2: "Benign"; Align-GVGD: "Class C35"). This variant has not been reported in the literature in individuals affected with SMARCA4-related conditions. This variant is not present in population databases (gnomAD no frequency). This sequence change replaces lysine, which is basic and polar, with asparagine, which is neutral and polar, at codon 1465 of the SMARCA4 protein (p.Lys1465Asn).

Ambry Genetics
Classification: Uncertain significance for Hereditary cancer-predisposing syndrome. Last evaluated: 2020-08-27. Review status: criteria provided, single submitter. Criteria: Ambry Variant Classification Scheme 2023. Collection method: clinical testing. Allele origin: germline.
Comment: The p.K1465N variant (also known as c.4395G>T), located in coding exon 30 of the SMARCA4 gene, results from a G to T substitution at nucleotide position 4395. The lysine at codon 1465 is replaced by asparagine, an amino acid with similar properties. This amino acid position is well conserved in available vertebrate species. In addition, this alteration is predicted to be tolerated by in silico analysis. Since supporting evidence is limited at this time, the clinical significance of this alteration remains unclear.

NM_003072.5(SMARCA4):c.4299G>T (p.Lys1433Asn)

Gene: SMARCA4 (SWI/SNF related BAF chromatin remodeling complex subunit ATPase 4; plus strand). Cytogenetic location: 19p13.2.
Variant type: single nucleotide variant.
Coding change: c.4299G>T on transcript NM_003072.5 (MANE Select); coding-DNA position 4299, G replaced by T.
Protein change: p.Lys1433Asn; replaces lysine 1433 with asparagine.
Molecular consequence: missense variant. On other transcripts: non-coding transcript variant (1).
Genome position (GRCh38, 1-based): chr19:11,041,435, G>T. VCF-style: chr19-11041435-G-T. GRCh37 (hg19) VCF-style: chr19-11152111-G-T.
Other names: c.4299G>T, p.Lys1433Asn (NM_001128844.3); c.4209G>T, p.Lys1403Asn (NM_001128845.2, NM_001128846.2); c.4200G>T, p.Lys1400Asn (NM_001128847.4, NM_001128848.2, NM_001374457.1); c.4395G>T, p.Lys1465Asn (NM_001128849.3); short protein forms K1403N, K1400N, K1465N, K1433N.
Identifiers: ClinVar variation 947484 (VCV000947484.10), dbSNP rs1600467954, ClinGen allele CA404073678.
Genomic context (GRCh38, chr19:11,041,435, plus strand): 5'-CAAGCGAGACAGCGACGCCGGCTCCTCCACCCCGACCACCAGCACCCGCAGCCGCGACAA[G>T]GACGACGAGAGCAAGAAGCAGAAGAAGCGCGGGCGGCCGCCTGCCGAGAAACTCTCCCCT-3'
Protein context (NP_003063.2, residues 1423-1443): TPTTSTRSRD[Lys1433Asn]DDESKKQKKR